The following is an entry in ClinVar:

ClinVar aggregate classification (germline): Benign. Review status: criteria provided, multiple submitters, no conflicts (2 of 4 stars). 10 submissions from 9 submitters: Benign (10). Last evaluated 2026-02-04.

Conditions:
Ehlers-Danlos syndrome due to tenascin-X deficiency (EDSCLL1). Also called: TNXB-Related Classical-Like Ehlers-Danlos Syndrome; TNX DEFICIENCY; EDS DUE TO TNX DEFICIENCY; EHLERS-DANLOS SYNDROME, CLASSIC-LIKE; Ehlers-Danlos syndrome, classic-like, 1. Identifiers: Orphanet 230839, MedGen C1848029, MONDO:0011670, OMIM 606408.
Cardiovascular phenotype. Identifiers: MedGen CN230736.
Vesicoureteral reflux 8 (VUR8). Identifiers: Orphanet 289365, MedGen C4014831, MONDO:0014422, OMIM 615963.
Ehlers-Danlos syndrome (EDS). Identifiers: Orphanet 98249, MedGen C0013720, MONDO:0020066.

Allele frequency attached by ClinVar (database versions not stated): ESP Exome Variant Server 0.47712; gnomAD 0.51248; TOPMed 0.52259; 1000 Genomes Project 30x 0.58073; 1000 Genomes Project 0.58626.
gnomAD v4.1: 824,497 of 1,600,200 alleles (52%); highest among the groups gnomAD compares: South Asian, 74%; 218,831 homozygotes.

Submissions (10):

Labcorp Genetics (formerly Invitae), Labcorp
Classification: Benign. Last evaluated: 2026-02-04. Review status: criteria provided, single submitter. Criteria: Invitae Variant Classification Sherloc (09022015). Collection method: clinical testing. Allele origin: germline.

Women's Health and Genetics/Laboratory Corporation of America, LabCorp
Classification: Benign. Last evaluated: 2026-01-21. Review status: criteria provided, single submitter. Criteria: LabCorp Variant Classification Summary - May 2015. Collection method: clinical testing. Allele origin: germline.

Blueprint Genetics
Classification: Benign. Last evaluated: 2024-11-27. Review status: criteria provided, single submitter. Criteria: ACMG Guidelines, 2015. Collection method: clinical testing. Allele origin: germline.

Genome Diagnostics Laboratory, The Hospital for Sick Children
Classification: Benign for Ehlers-Danlos syndrome. Last evaluated: 2022-07-16. Review status: criteria provided, single submitter. Criteria: ACMG Guidelines, 2015. Collection method: clinical testing. Allele origin: germline.

Mayo Clinic Laboratories, Mayo Clinic
Classification: Benign. Last evaluated: 2022-03-17. Review status: criteria provided, single submitter. Criteria: ACMG Guidelines, 2015. Collection method: clinical testing. Allele origin: germline. Observed: 2,349 variant alleles.
Comment: BA1

Genome-Nilou Lab
Classification: Benign for Ehlers-Danlos syndrome due to tenascin-X deficiency. Last evaluated: 2021-09-10. Review status: criteria provided, single submitter. Criteria: ACMG Guidelines, 2015. Collection method: clinical testing. Allele origin: germline. Affected: no.

Genome-Nilou Lab
Classification: Benign for Vesicoureteral reflux 8. Last evaluated: 2021-09-10. Review status: criteria provided, single submitter. Criteria: ACMG Guidelines, 2015. Collection method: clinical testing. Allele origin: germline. Affected: no.

Ambry Genetics
Classification: Benign for Cardiovascular phenotype. Last evaluated: 2018-12-04. Review status: criteria provided, single submitter. Criteria: Ambry Variant Classification Scheme 2023. Collection method: clinical testing. Allele origin: germline.

GeneDx
Classification: Benign. Last evaluated: 2018-03-01. Review status: criteria provided, single submitter. Criteria: GeneDx Variant Classification (06012015). Collection method: clinical testing. Allele origin: germline. Affected: yes.
Comment: This variant is considered likely benign or benign based on one or more of the following criteria: it is a conservative change, it occurs at a poorly conserved position in the protein, it is predicted to be benign by multiple in silico algorithms, and/or has population frequency not consistent with disease.

PreventionGenetics, part of Exact Sciences
Classification: Benign. Review status: criteria provided, single submitter. Criteria: ACMG Guidelines, 2015. Collection method: clinical testing. Allele origin: germline.

NM_001365276.2(TNXB):c.3482A>G (p.His1161Arg)

Gene: TNXB (tenascin XB; minus strand). Cytogenetic location: 6p21.33.
Variant type: single nucleotide variant.
Coding change: c.3482A>G on transcript NM_001365276.2 (MANE Select); coding-DNA position 3482, A replaced by G.
Protein change: p.His1161Arg; replaces histidine 1161 with arginine.
Molecular consequence: missense variant.
Genome position (GRCh38, 1-based): chr6:32,082,290, T>C on the plus strand (A>G on the coding strand, the complement: TNXB is on the minus strand). VCF-style: chr6-32082290-T-C. GRCh37 (hg19) VCF-style: chr6-32050067-T-C.
Other names: p.His1161Arg; c.3482A>G, p.His1161Arg (NM_019105.8); short protein forms H1161R.
Identifiers: ClinVar variation 261136 (VCV000261136.14), dbSNP rs185819, ClinGen allele CA3735168.